The following is an entry in ClinVar:

ClinVar aggregate classification (germline): Conflicting classifications of pathogenicity. Review status: criteria provided, conflicting classifications (1 of 4 stars). 4 submissions from 4 submitters: Uncertain significance (2); Likely benign (1). 1 of the submissions does not count toward it. Last evaluated 2026-01-21.

Conditions:
Hereditary cancer-predisposing syndrome. Also called: Neoplastic Syndromes, Hereditary; Tumor predisposition; Hereditary neoplastic syndrome; Hereditary Cancer Syndrome. Identifiers: Orphanet 140162, MedGen C0027672, MeSH D009386, MONDO:0015356.
HOXB13-related disorder. Also called: HOXB13-related condition; HOXB13-related disorders.

Allele frequency attached by ClinVar (database versions not stated): ExAC 0.00001; gnomAD 0.00001; gnomAD exomes 0.00001; TOPMed 0.00001; ESP Exome Variant Server 0.00008.

Submissions (4):

Labcorp Genetics (formerly Invitae), Labcorp
Classification: Uncertain significance. Last evaluated: 2026-01-21. Review status: criteria provided, single submitter. Criteria: Invitae Variant Classification Sherloc (09022015). Collection method: clinical testing. Allele origin: germline.
Comment: This sequence change replaces alanine, which is neutral and non-polar, with serine, which is neutral and polar, at codon 175 of the HOXB13 protein (p.Ala175Ser). This variant is present in population databases (rs148649390, gnomAD 0.002%). This variant has not been reported in the literature in individuals affected with HOXB13-related conditions. ClinVar contains an entry for this variant (Variation ID: 825581). Invitae Evidence Modeling of protein sequence and biophysical properties (such as structural, functional, and spatial information, amino acid conservation, physicochemical variation, residue mobility, and thermodynamic stability) indicates that this missense variant is not expected to disrupt HOXB13 protein function with a negative predictive value of 80%. In summary, the available evidence is currently insufficient to determine the role of this variant in disease. Therefore, it has been classified as a Variant of Uncertain Significance.

Ambry Genetics
Classification: Likely benign for Hereditary cancer-predisposing syndrome. Last evaluated: 2025-01-17. Review status: criteria provided, single submitter. Criteria: Ambry Variant Classification Scheme 2023. Collection method: clinical testing. Allele origin: germline.

GeneDx
Classification: Uncertain significance. Last evaluated: 2023-03-10. Review status: criteria provided, single submitter. Criteria: GeneDx Variant Classification Process June 2021. Collection method: clinical testing. Allele origin: germline. Affected: yes.
Comment: Not observed at significant frequency in large population cohorts (gnomAD); In silico analysis supports that this missense variant does not alter protein structure/function; Has not been previously published as pathogenic or benign to our knowledge; This variant is associated with the following publications: (PMID: 19389631)

PreventionGenetics, part of Exact Sciences
Classification: Uncertain significance for HOXB13-related condition. Last evaluated: 2024-01-11. Review status: no assertion criteria provided. Collection method: clinical testing. Allele origin: germline. Not counted in ClinVar's aggregate classification.
Comment: The HOXB13 c.523G>T variant is predicted to result in the amino acid substitution p.Ala175Ser. To our knowledge, this variant has not been reported in the literature. This variant is reported in 0.0018% of alleles in individuals of European (Non-Finnish) descent in gnomAD. It is interpreted as uncertain significance in ClinVar. At this time, the clinical significance of this variant is uncertain due to the absence of conclusive functional and genetic evidence.

NM_006361.6(HOXB13):c.523G>T (p.Ala175Ser)

Gene: HOXB13 (homeobox B13; minus strand). Cytogenetic location: 17q21.32.
Variant type: single nucleotide variant.
Coding change: c.523G>T on transcript NM_006361.6 (MANE Select); coding-DNA position 523, G replaced by T.
Protein change: p.Ala175Ser; replaces alanine 175 with serine.
Molecular consequence: missense variant.
Genome position (GRCh38, 1-based): chr17:48,728,071, C>A on the plus strand (G>T on the coding strand, the complement: HOXB13 is on the minus strand). VCF-style: chr17-48728071-C-A. GRCh37 (hg19) VCF-style: chr17-46805433-C-A.
Other names: short protein forms A175S.
Identifiers: ClinVar variation 825581 (VCV000825581.15), dbSNP rs148649390, ClinGen allele CA8633974.